The following is an entry in ClinVar:

ClinVar aggregate classification (germline): Likely benign (0 of 4 stars; one submission).

Conditions:
PLXNA1-related disorder. Also called: PLXNA1-related condition.

Allele frequency attached by ClinVar (database versions not stated): ExAC 0.00003; ESP Exome Variant Server 0.00008.
gnomAD v4.1: 84 of 1,613,106 alleles (0.0052%); highest among the groups gnomAD compares: Non-Finnish European, 0.0069%; no homozygotes.

Submission:

PreventionGenetics, part of Exact Sciences
Classification: Likely benign for PLXNA1-related condition. Last evaluated: 2022-01-10. Review status: no assertion criteria provided. Collection method: clinical testing. Allele origin: germline.
Comment: This variant is classified as likely benign based on ACMG/AMP sequence variant interpretation guidelines (Richards et al. 2015 PMID: 25741868, with internal and published modifications).

NM_032242.4(PLXNA1):c.955C>A (p.Arg319=)

Gene: PLXNA1 (plexin A1; plus strand). Cytogenetic location: 3q21.3.
Variant type: single nucleotide variant.
Coding change: c.955C>A on transcript NM_032242.4 (MANE Select); coding-DNA position 955, C replaced by A.
Protein change: p.Arg319=; no amino-acid change (arginine 319 retained).
Molecular consequence: synonymous variant.
Genome position (GRCh38, 1-based): chr3:126,989,548, C>A. VCF-style: chr3-126989548-C-A. GRCh37 (hg19) VCF-style: chr3-126708391-C-A.
Identifiers: ClinVar variation 3036395 (VCV003036395.2), dbSNP rs374901417, ClinGen allele CA2593086.
Genomic context (GRCh38, chr3:126,989,548, plus strand): 5'-CCCATTGGCTGCGAGCAGGCGGGTGTGGAGTACCGCCTGGTGCAGGATGCCTACCTGAGC[C>A]GGCCCGGCCGTGCCCTGGCCCACCAGCTGGGCCTGGCTGAGGACGAGGACGTGCTGTTCA-3'
Protein context (NP_115618.3, residues 309-329): YRLVQDAYLS[Arg319=]PGRALAHQLG